The following is an entry in ClinVar:

NM_001127671.2(LIFR):c.1147A>T (p.Lys383Ter)

Gene: LIFR (LIF receptor subunit alpha; minus strand). Cytogenetic location: 5p13.1.
Variant type: single nucleotide variant.
Coding change: c.1147A>T on transcript NM_001127671.2 (MANE Select); coding-DNA position 1147, A replaced by T.
Protein change: p.Lys383Ter; replaces lysine 383 with a stop codon.
Molecular consequence: nonsense.
Genome position (GRCh38, 1-based): chr5:38,506,049, T>A on the plus strand (A>T on the coding strand, the complement: LIFR is on the minus strand). VCF-style: chr5-38506049-T-A. GRCh37 (hg19) VCF-style: chr5-38506151-T-A.
Other names: c.1147A>T, p.Lys383Ter (NM_001364297.2, NM_001364298.2, NM_002310.6); short protein forms K383*.
Identifiers: ClinVar variation 2761493 (VCV002761493.3), dbSNP rs755667590, ClinGen allele CA359544058.

ClinVar aggregate classification (germline): Pathogenic (1 of 4 stars; one submission).

Submission:

Labcorp Genetics (formerly Invitae), Labcorp
Classification: Pathogenic. Last evaluated: 2023-09-18. Review status: criteria provided, single submitter. Criteria: Invitae Variant Classification Sherloc (09022015). Collection method: clinical testing. Allele origin: germline.
Comment: This sequence change creates a premature translational stop signal (p.Lys383*) in the LIFR gene. It is expected to result in an absent or disrupted protein product. Loss-of-function variants in LIFR are known to be pathogenic (PMID: 14740318). This variant is not present in population databases (gnomAD no frequency). This variant has not been reported in the literature in individuals affected with LIFR-related conditions. For these reasons, this variant has been classified as Pathogenic.

Literature cited by the submitters: PubMed 14740318.